The following is an entry in ClinVar:

ClinVar aggregate classification (germline): Pathogenic. Review status: criteria provided, multiple submitters, no conflicts (2 of 4 stars). 3 submissions from 3 submitters: Pathogenic (3). Last evaluated 2026-08-28.

Conditions:
DICER1-related tumor predisposition. Also called: DICER1-related pleuropulmonary blastoma cancer predisposition syndrome; DICER1 syndrome. Identifiers: Orphanet 284343, MedGen C3839822, MONDO:0100216.
Hereditary cancer-predisposing syndrome. Also called: Tumor predisposition; Neoplastic Syndromes, Hereditary; Hereditary Cancer Syndrome; Hereditary neoplastic syndrome. Identifiers: Orphanet 140162, MedGen C0027672, MeSH D009386, MONDO:0015356.

Submissions (3):

Ambry Genetics
Classification: Pathogenic for Hereditary cancer-predisposing syndrome. Last evaluated: 2026-08-28. Review status: criteria provided, single submitter. Criteria: Ambry Variant Classification Scheme 2023. Collection method: clinical testing. Allele origin: germline.
Comment: The c.2158_2159delGT pathogenic mutation, located in coding exon 13 of the DICER1 gene, results from a deletion of two nucleotides at nucleotide positions 2158 to 2159, causing a translational frameshift with a predicted alternate stop codon (p.V720*). This variant was reported in individual(s) with features consistent with DICER1-related tumor predisposition (Ambry internal data). This variant is considered to be rare based on population cohorts in the Genome Aggregation Database (gnomAD). This alteration is expected to result in loss of function by premature protein truncation or nonsense-mediated mRNA decay. As such, this alteration is interpreted as a disease-causing mutation.

Foulkes Cancer Genetics LDI, Lady Davis Institute for Medical Research
Classification: Pathogenic for Pleuropulmonary blastoma. Last evaluated: 2019-07-01. Review status: criteria provided, single submitter. Criteria: ACMG Guidelines, 2015. Collection method: curation. Allele origin: germline. Affected: yes. Observed: 1 variant allele.
Comment: ACMG criteria met: PVS1, PM2, PP4

International Pleuropulmonary Blastoma Registry, Children's Hospitals and Clinics of Minnesota
Classification: Pathogenic for Pleuropulmonary blastoma. Last evaluated: 2014-11-10. Review status: criteria provided, single submitter. Criteria: Hill et al. (Science. 2009). Collection method: clinical testing. Allele origin: germline. Affected: yes. Study: PPB-DICER1 Genetic study.

Literature cited by the submitters: PubMed 26925222 (cited by Foulkes Cancer Genetics LDI, Lady Davis Institute for Medical Research and International Pleuropulmonary Blastoma Registry, Children's Hospitals and Clinics of Minnesota).

NM_177438.3(DICER1):c.2158_2159del (p.Thr719_Val720insTer)

Gene: DICER1 (dicer 1, ribonuclease III; minus strand). Cytogenetic location: 14q32.13.
Variant type: Deletion.
Coding change: c.2158_2159del on transcript NM_177438.3 (MANE Select); coding-DNA positions 2158 to 2159, 2 bases deleted (GT; older notation c.2158_2159delGT).
Protein change: p.Thr719_Val720insTer.
Molecular consequence: nonsense.
Genome position (GRCh38, 1-based): chr14:95,111,414-95,111,415, AC deleted on the plus strand (GT on the coding strand, the reverse complement: DICER1 is on the minus strand); deleting any 2 consecutive bases within chr14:95,111,414-95,111,416 gives the same sequence; the c. name uses the placement nearest the transcript's 3' end. VCF-style (leftmost placement, unchanged base first): chr14-95111413-AAC-A. GRCh37 (hg19) VCF-style: chr14-95577750-AAC-A.
Other names: c.2158_2159del, p.Thr719_Val720insTer (NM_001195573.1, NM_001271282.3, NM_001291628.2 and 1 more transcripts); c.2158_2159delGT (NM_177438.2).
Identifiers: ClinVar variation 254304 (VCV000254304.7), dbSNP rs886037685, ClinGen allele CA10586444.